The following is an entry in ClinVar:

ClinVar aggregate classification (germline): Likely pathogenic (0 of 4 stars; one submission).

Conditions:
Ehlers-Danlos syndrome, type 4 (EDSVASC). Also called: Ehlers-Danlos syndrome vascular type; Ehlers Danlos syndrome, ecchymotic type; Ehlers Danlos syndrome, arterial type; Ehlers Danlos syndrome, Sack-Barabas type; Ehlers-Danlos Syndrome Type IV. Identifiers: Orphanet 286, MedGen C0268338, MONDO:0017314, OMIM 130050.

Submissions (2):

deCODE genetics, Amgen
Classification: Likely pathogenic for Ehlers-Danlos syndrome, type 4. Last evaluated: 2023-07-21. Review status: no assertion criteria provided. Collection method: research. Allele origin: germline. Affected: yes. Observed: 1 variant allele.
Comment: The variant NM_000090.4:c.1762-1G>T (chr2:188997164) in COL3A1 was detected in 1 heterozygote out of 58K WGS Icelanders (MAF= 0,001%). This variant has not been reported in ClinVar previously. Based on ACMG criteria (PVS1, PM2) this variant classifies as likely pathogenic.

Dr. Peter K. Rogan Lab, Western University
No classification provided (evidence only). Condition: Melanoma. Review status: no classification provided. Collection method: in vitro. Allele origin: not applicable. Functional consequence: retained intron. Not counted in ClinVar's aggregate classification.

NM_000090.4(COL3A1):c.1762-1G>T

Gene: COL3A1 (collagen type III alpha 1 chain; plus strand). Cytogenetic location: 2q32.2.
Variant type: single nucleotide variant.
Coding change: c.1762-1G>T on transcript NM_000090.4 (MANE Select); the canonical splice acceptor site of the intron before coding-DNA position 1762, G replaced by T.
Molecular consequence: splice acceptor variant.
Genome position (GRCh38, 1-based): chr2:188,997,164, G>T. VCF-style: chr2-188997164-G-T. GRCh37 (hg19) VCF-style: chr2-189861890-G-T.
Other names: NC_000002.11:g.189861890G>T.
Identifiers: ClinVar variation 2574098 (VCV002574098.2), dbSNP rs2469137619, ClinGen allele CA349853180.